The following is an entry in ClinVar:

NM_001252024.2(TRPM1):c.2316+11C>T

Gene: TRPM1 (transient receptor potential cation channel subfamily M member 1; minus strand). Cytogenetic location: 15q13.3.
Variant type: single nucleotide variant.
Coding change: c.2316+11C>T on transcript NM_001252024.2 (MANE Select); 11 bases into the intron after coding-DNA position 2316, C replaced by T.
Molecular consequence: intron variant.
Genome position (GRCh38, 1-based): chr15:31,040,107, G>A on the plus strand (C>T on the coding strand, the complement: TRPM1 is on the minus strand). VCF-style: chr15-31040107-G-A. GRCh37 (hg19) VCF-style: chr15-31332310-G-A.
Other names: c.2367+11C>T (NM_001252020.2); c.2250+11C>T (NM_002420.6).
Identifiers: ClinVar variation 315513 (VCV000315513.13), dbSNP rs369026007, ClinGen allele CA7452260.

ClinVar aggregate classification (germline): Benign/Likely benign. Review status: criteria provided, multiple submitters, no conflicts (2 of 4 stars). 3 submissions from 3 submitters: Benign (1); Likely benign (2). Last evaluated 2026-01-23.

Conditions:
Congenital stationary night blindness 1C. Also called: Night blindness, congenital stationary (complete), 1C, autosomal recessive. Identifiers: Orphanet 215, MedGen C2750747, MONDO:0013183, OMIM 613216.

Allele frequency attached by ClinVar (database versions not stated): gnomAD 0.00002 and 0.00013; ESP Exome Variant Server 0.00008; TOPMed 0.00008; gnomAD exomes 0.00028 and 0.00065; 1000 Genomes Project 0.00060; 1000 Genomes Project 30x 0.00062; ExAC 0.00070.
gnomAD v4.1: 444 of 1,613,616 alleles (0.028%); highest among the groups gnomAD compares: South Asian, 0.36%; 5 homozygotes.

Submissions (3):

Labcorp Genetics (formerly Invitae), Labcorp
Classification: Benign. Last evaluated: 2026-01-23. Review status: criteria provided, single submitter. Criteria: Invitae Variant Classification Sherloc (09022015). Collection method: clinical testing. Allele origin: germline.

Blueprint Genetics
Classification: Likely benign. Last evaluated: 2024-11-22. Review status: criteria provided, single submitter. Criteria: ACMG Guidelines, 2015. Collection method: clinical testing. Allele origin: germline.

Illumina Laboratory Services, Illumina
Classification: Likely benign for Congenital stationary night blindness 1C. Last evaluated: 2018-01-12. Review status: criteria provided, single submitter. Criteria: ICSL Variant Classification Criteria 13 December 2019. Collection method: clinical testing. Allele origin: germline.
Comment: This variant was observed in the ICSL laboratory as part of a predisposition screen in an ostensibly healthy population. It had not been previously curated by ICSL or reported in the Human Gene Mutation Database (HGMD: prior to June 1st, 2018), and was therefore a candidate for classification through an automated scoring system. Utilizing variant allele frequency, disease prevalence and penetrance estimates, and inheritance mode, an automated score was calculated to assess if this variant is too frequent to cause the disease. Based on the score and internal cut-off values, a variant classified as likely benign is not then subjected to further curation. The score for this variant resulted in a classification of likely benign for this disease.